The following is an entry in ClinVar:

ClinVar aggregate classification (germline): Uncertain significance. Review status: criteria provided, multiple submitters, no conflicts (2 of 4 stars). 3 submissions from 3 submitters: Uncertain significance (3). Last evaluated 2024-05-17.

Conditions:
Donnai-Barrow syndrome. Also called: DBS/FOAR SYNDROME; FACIOOCULOACOUSTICORENAL SYNDROME. Identifiers: Orphanet 2143, MedGen C1857277, MONDO:0009104, OMIM 222448.
Inborn genetic diseases. Identifiers: MedGen C0950123, MeSH D030342.

Allele frequency attached by ClinVar (database versions not stated): gnomAD exomes below 0.00001 and 0.00001; ExAC 0.00001; gnomAD 0.00002; TOPMed 0.00004.
gnomAD v4.1: 25 of 1,613,978 alleles (0.0015%); highest among the groups gnomAD compares: African/African-American, 0.004%; no homozygotes.

Submissions (3):

Fulgent Genetics
Classification: Uncertain significance for Donnai-Barrow syndrome. Last evaluated: 2024-05-17. Review status: criteria provided, single submitter. Criteria: ACMG Guidelines, 2015. Collection method: clinical testing. Allele origin: germline.

Ambry Genetics
Classification: Uncertain significance for Inborn genetic diseases. Last evaluated: 2022-12-15. Review status: criteria provided, single submitter. Criteria: Ambry Variant Classification Scheme 2023. Collection method: clinical testing. Allele origin: germline.

Labcorp Genetics (formerly Invitae), Labcorp
Classification: Uncertain significance. Last evaluated: 2022-10-17. Review status: criteria provided, single submitter. Criteria: Invitae Variant Classification Sherloc (09022015). Collection method: clinical testing. Allele origin: germline.
Comment: This sequence change replaces serine, which is neutral and polar, with proline, which is neutral and non-polar, at codon 2354 of the LRP2 protein (p.Ser2354Pro). This variant is present in population databases (rs761522865, gnomAD 0.002%). This variant has not been reported in the literature in individuals affected with LRP2-related conditions. ClinVar contains an entry for this variant (Variation ID: 1397723). Advanced modeling of protein sequence and biophysical properties (such as structural, functional, and spatial information, amino acid conservation, physicochemical variation, residue mobility, and thermodynamic stability) performed at Invitae indicates that this missense variant is not expected to disrupt LRP2 protein function. In summary, the available evidence is currently insufficient to determine the role of this variant in disease. Therefore, it has been classified as a Variant of Uncertain Significance.

NM_004525.3(LRP2):c.7060T>C (p.Ser2354Pro)

Gene: LRP2 (LDL receptor related protein 2; minus strand). Cytogenetic location: 2q31.1.
Variant type: single nucleotide variant.
Coding change: c.7060T>C on transcript NM_004525.3 (MANE Select); coding-DNA position 7060, T replaced by C.
Protein change: p.Ser2354Pro; replaces serine 2354 with proline.
Molecular consequence: missense variant.
Genome position (GRCh38, 1-based): chr2:169,206,660, A>G on the plus strand (T>C on the coding strand, the complement: LRP2 is on the minus strand). VCF-style: chr2-169206660-A-G. GRCh37 (hg19) VCF-style: chr2-170063170-A-G.
Other names: c.7060T>C (NM_004525.2); short protein forms S2354P.
Identifiers: ClinVar variation 1397723 (VCV001397723.8), dbSNP rs761522865, ClinGen allele CA1954171.